The following is an entry in ClinVar:

NM_032898.5(CEP19):c.130+3A>T

Gene: CEP19 (centrosomal protein 19; minus strand). Cytogenetic location: 3q29.
Variant type: single nucleotide variant.
Coding change: c.130+3A>T on transcript NM_032898.5 (MANE Select); 3 bases into the intron after coding-DNA position 130, A replaced by T.
Molecular consequence: intron variant.
Genome position (GRCh38, 1-based): chr3:196,708,525, T>A on the plus strand (A>T on the coding strand, the complement: CEP19 is on the minus strand). VCF-style: chr3-196708525-T-A. GRCh37 (hg19) VCF-style: chr3-196435396-T-A.
Other names: c.130+3A>T (NM_001379470.1, NM_001379469.1); c.26-613A>T (NM_001379468.1).
Identifiers: ClinVar variation 1017493 (VCV001017493.5), dbSNP rs960908426, ClinGen allele CA90867868.
Genomic context (GRCh38, chr3:196,708,525, plus strand): 5'-TCATGATGTGAACCTGTATTTAGAGAATATTTAAGACAGGAGGCAAGATAAGACATGAGG[T>A]ACCTGAAAACTTTGAAAAGTTTCGAACTGGCATAATGCGCTGGCGAATTTTCCCCTTGAT-3'

ClinVar aggregate classification (germline): Uncertain significance (1 of 4 stars; one submission).

Allele frequency attached by ClinVar (database versions not stated): gnomAD exomes below 0.00001.
gnomAD v4.1: 1 of 1,613,900 alleles (0.000062%); highest among the groups gnomAD compares: African/African-American, 0.0013%; no homozygotes.

Submission:

Labcorp Genetics (formerly Invitae), Labcorp
Classification: Uncertain significance. Last evaluated: 2022-07-12. Review status: criteria provided, single submitter. Criteria: Invitae Variant Classification Sherloc (09022015). Collection method: clinical testing. Allele origin: germline.
Comment: In summary, the available evidence is currently insufficient to determine the role of this variant in disease. Therefore, it has been classified as a Variant of Uncertain Significance. Variants that disrupt the consensus splice site are a relatively common cause of aberrant splicing (PMID: 17576681, 9536098). Algorithms developed to predict the effect of sequence changes on RNA splicing suggest that this variant may disrupt the consensus splice site. ClinVar contains an entry for this variant (Variation ID: 1017493). This variant has not been reported in the literature in individuals affected with CEP19-related conditions. This variant is present in population databases (no rsID available, gnomAD 0.007%). This sequence change falls in intron 2 of the CEP19 gene. It does not directly change the encoded amino acid sequence of the CEP19 protein. It affects a nucleotide within the consensus splice site.

Literature cited by the submitters: PubMed 17576681; PubMed 9536098.